The following is an entry in ClinVar:

ClinVar aggregate classification (germline): Likely benign (1 of 4 stars; one submission).

Allele frequency attached by ClinVar (database versions not stated): gnomAD exomes below 0.00001.
gnomAD v4.1: 1 of 1,613,902 alleles (0.000062%); highest among the groups gnomAD compares: Non-Finnish European, 0.000085%; no homozygotes.

Submission:

GeneDx
Classification: Likely benign. Last evaluated: 2018-04-11. Review status: criteria provided, single submitter. Criteria: GeneDx Variant Classification (06012015). Collection method: clinical testing. Allele origin: germline. Affected: yes.
Comment: This variant is considered likely benign or benign based on one or more of the following criteria: it is a conservative change, it occurs at a poorly conserved position in the protein, it is predicted to be benign by multiple in silico algorithms, and/or has population frequency not consistent with disease.

NM_000334.4(SCN4A):c.3288C>T (p.Ala1096=)

Genes: GH-LCR (growth hormone locus control region; plus strand), SCN4A (sodium voltage-gated channel alpha subunit 4; minus strand). Cytogenetic location: 17q23.3.
Variant type: single nucleotide variant.
Coding change: c.3288C>T on transcript NM_000334.4 (MANE Select); coding-DNA position 3288, C replaced by T.
Protein change: p.Ala1096=; no amino-acid change (alanine 1096 retained).
Molecular consequence: synonymous variant.
Genome position (GRCh38, 1-based): chr17:63,947,920, G>A on the plus strand (C>T on the coding strand, the complement: SCN4A is on the minus strand). VCF-style: chr17-63947920-G-A. GRCh37 (hg19) VCF-style: chr17-62025280-G-A.
Identifiers: ClinVar variation 681710 (VCV000681710.1), dbSNP rs1597971086, ClinGen allele CA501220561.